The following is an entry in ClinVar:

ClinVar aggregate classification (germline): Benign. Review status: criteria provided, single submitter (1 of 4 stars). 2 submissions from 1 submitter: Benign (2). Last evaluated 2018-01-12.

Conditions:
Hypophosphatemic rickets, autosomal recessive, 2 (ARHR2). Identifiers: Orphanet 289176, MedGen C2750078, MONDO:0013219, OMIM 613312.
Arterial calcification, generalized, of infancy, 1 (GACI1). Also called: Idiopathic Infantile Arterial Calcification. Identifiers: Orphanet 51608, MedGen C4551985, MONDO:0008817, OMIM 208000.

Allele frequency attached by ClinVar (database versions not stated): 1000 Genomes Project 0.00779; gnomAD 0.00795 and 0.00854; 1000 Genomes Project 30x 0.00828; TOPMed 0.00875.
gnomAD v4.1: 1,142 of 145,510 alleles (0.78%); highest among the groups gnomAD compares: African/African-American, 2.7%; 26 homozygotes.

Submissions (2):

Illumina Laboratory Services, Illumina
Classification: Benign for Arterial calcification, generalized, of infancy, 1. Last evaluated: 2018-01-12. Review status: criteria provided, single submitter. Criteria: ICSL Variant Classification Criteria 13 December 2019. Collection method: clinical testing. Allele origin: germline.
Comment: This variant was observed in the ICSL laboratory as part of a predisposition screen in an ostensibly healthy population. It had not been previously curated by ICSL or reported in the Human Gene Mutation Database (HGMD: prior to June 1st, 2018), and was therefore a candidate for classification through an automated scoring system. Utilizing variant allele frequency, disease prevalence and penetrance estimates, and inheritance mode, an automated score was calculated to assess if this variant is too frequent to cause the disease. Based on the score and internal cut-off values, a variant classified as benign is not then subjected to further curation. The score for this variant resulted in a classification of benign for this disease.

Illumina Laboratory Services, Illumina
Classification: Benign for Hypophosphatemic rickets, autosomal recessive, 2. Last evaluated: 2018-01-12. Review status: criteria provided, single submitter. Criteria: ICSL Variant Classification Criteria 13 December 2019. Collection method: clinical testing. Allele origin: germline.
Comment: the same text as in the submission from Illumina Laboratory Services, Illumina above.

NM_006208.3(ENPP1):c.*1224A>G

Gene: ENPP1 (ectonucleotide pyrophosphatase/phosphodiesterase 1; plus strand). Cytogenetic location: 6q23.2.
Variant type: single nucleotide variant.
Coding change: c.*1224A>G on transcript NM_006208.3 (MANE Select); 1224 bases downstream of the stop codon, A replaced by G.
Molecular consequence: 3 prime UTR variant.
Genome position (GRCh38, 1-based): chr6:131,891,735, A>G. VCF-style: chr6-131891735-A-G. GRCh37 (hg19) VCF-style: chr6-132212875-A-G.
Identifiers: ClinVar variation 905043 (VCV000905043.4), dbSNP rs115623040, ClinGen allele CA147909615.